The following is an entry in ClinVar:

ClinVar aggregate classification (germline): Likely benign. Review status: criteria provided, multiple submitters, no conflicts (2 of 4 stars). 2 submissions from 2 submitters: Likely benign (2). Last evaluated 2026-03-01.

Conditions:
Spastic paraplegia. Identifiers: MedGen C0037772, HP:0001258.

Allele frequency attached by ClinVar (database versions not stated): gnomAD exomes 0.00002 and 0.00006; gnomAD 0.00003; ExAC 0.00005; TOPMed 0.00005.
gnomAD v4.1: 30 of 1,613,946 alleles (0.0019%); highest among the groups gnomAD compares: Admixed American, 0.028%; no homozygotes.

Submissions (2):

CeGaT Center for Human Genetics Tuebingen
Classification: Likely benign. Last evaluated: 2026-03-01. Review status: criteria provided, single submitter. Criteria: CeGaT Center For Human Genetics Tuebingen Variant Classification Criteria Version 2. Collection method: clinical testing. Allele origin: germline. Affected: yes. Observed: 1 variant allele.
Comment: SACS: BP4, BP7

Labcorp Genetics (formerly Invitae), Labcorp
Classification: Likely benign for Spastic paraplegia. Last evaluated: 2026-01-20. Review status: criteria provided, single submitter. Criteria: Invitae Variant Classification Sherloc (09022015). Collection method: clinical testing. Allele origin: germline.

NM_014363.6(SACS):c.7632A>G (p.Glu2544=)

Gene: SACS (sacsin molecular chaperone; minus strand). Cytogenetic location: 13q12.12.
Variant type: single nucleotide variant.
Coding change: c.7632A>G on transcript NM_014363.6 (MANE Select); coding-DNA position 7632, A replaced by G.
Protein change: p.Glu2544=; no amino-acid change (glutamic acid 2544 retained).
Molecular consequence: synonymous variant.
Genome position (GRCh38, 1-based): chr13:23,336,244, T>C on the plus strand (A>G on the coding strand, the complement: SACS is on the minus strand). VCF-style: chr13-23336244-T-C. GRCh37 (hg19) VCF-style: chr13-23910383-T-C.
Other names: c.7191A>G, p.Glu2397= (NM_001278055.2).
Identifiers: ClinVar variation 697376 (VCV000697376.14), dbSNP rs752179231, ClinGen allele CA6910882.